The following is an entry in ClinVar:

ClinVar aggregate classification (germline): Benign/Likely benign. Review status: criteria provided, multiple submitters, no conflicts (2 of 4 stars). 5 submissions from 5 submitters: Benign (2); Likely benign (2). 1 of the submissions does not count toward it. Last evaluated 2026-02-02.

Conditions:
PNP-related disorder. Also called: PNP-related condition.
Purine-nucleoside phosphorylase deficiency. Also called: Immunodeficiency due to purine nucleoside phosphorylase deficiency; NUCLEOSIDE PHOSPHORYLASE DEFICIENCY. Identifiers: Orphanet 760, MedGen C0268125, MONDO:0013171, OMIM 613179.

Allele frequency attached by ClinVar (database versions not stated): gnomAD exomes 0.00007 and 0.00022; ExAC 0.00023; TOPMed 0.00084; ESP Exome Variant Server 0.00085; 1000 Genomes Project 30x 0.00094; gnomAD 0.00094 and 0.00099; 1000 Genomes Project 0.00100.
gnomAD v4.1: 259 of 1,610,558 alleles (0.016%); highest among the groups gnomAD compares: African/African-American, 0.24%; no homozygotes.

Submissions (5):

Labcorp Genetics (formerly Invitae), Labcorp
Classification: Benign for Purine-nucleoside phosphorylase deficiency. Last evaluated: 2026-02-02. Review status: criteria provided, single submitter. Criteria: Invitae Variant Classification Sherloc (09022015). Collection method: clinical testing. Allele origin: germline.

Blueprint Genetics
Classification: Likely benign. Last evaluated: 2024-11-13. Review status: criteria provided, single submitter. Criteria: ACMG Guidelines, 2015. Collection method: clinical testing. Allele origin: germline.

Women's Health and Genetics/Laboratory Corporation of America, LabCorp
Classification: Benign. Last evaluated: 2023-05-01. Review status: criteria provided, single submitter. Criteria: LabCorp Variant Classification Summary - May 2015. Collection method: clinical testing. Allele origin: germline.
Comment: Variant summary: PNP c.653-4T>C alters a non-conserved nucleotide located close to a canonical splice site and therefore could affect mRNA splicing, leading to a significantly altered protein sequence. 4/4 computational tools predict no significant impact on normal splicing. However, these predictions have yet to be confirmed by functional studies. The variant allele was found at a frequency of 0.00093 in 150992 control chromosomes, predominantly at a frequency of 0.0029 within the African or African-American subpopulation in the gnomAD database (v3.1, genomes dataset). The observed variant frequency within African or African-American control individuals in the gnomAD database is approximately 8-fold of the estimated maximal expected allele frequency for a pathogenic variant in PNP causing Severe Combined Immunodeficiency phenotype (0.00035), strongly suggesting that the variant is a benign polymorphism found primarily in populations of African or African-American origin. To our knowledge, no occurrence of c.653-4T>C in individuals affected with Severe Combined Immunodeficiency and no experimental evidence demonstrating its impact on protein function have been reported. Two clinical diagnostic laboratories have submitted clinical-significance assessments for this variant to ClinVar after 2014, and classified the variant as benign (n=1)/likely benign(n=1). Based on the evidence outlined above, the variant was classified as benign.

GeneDx
Classification: Likely benign. Last evaluated: 2016-11-16. Review status: criteria provided, single submitter. Criteria: GeneDx Variant Classification (06012015). Collection method: clinical testing. Allele origin: germline. Affected: yes.
Comment: This variant is considered likely benign or benign based on one or more of the following criteria: it is a conservative change, it occurs at a poorly conserved position in the protein, it is predicted to be benign by multiple in silico algorithms, and/or has population frequency not consistent with disease.

PreventionGenetics, part of Exact Sciences
Classification: Likely benign for PNP-related condition. Last evaluated: 2024-06-10. Review status: no assertion criteria provided. Collection method: clinical testing. Allele origin: germline. Not counted in ClinVar's aggregate classification.
Comment: This variant is classified as likely benign based on ACMG/AMP sequence variant interpretation guidelines (Richards et al. 2015 PMID: 25741868, with internal and published modifications).

NM_000270.4(PNP):c.653-4T>C

Gene: PNP (purine nucleoside phosphorylase; plus strand). Cytogenetic location: 14q11.2.
Variant type: single nucleotide variant.
Coding change: c.653-4T>C on transcript NM_000270.4 (MANE Select); 4 bases into the intron before coding-DNA position 653, T replaced by C.
Molecular consequence: intron variant.
Genome position (GRCh38, 1-based): chr14:20,476,380, T>C. VCF-style: chr14-20476380-T-C. GRCh37 (hg19) VCF-style: chr14-20944539-T-C.
Identifiers: ClinVar variation 391026 (VCV000391026.15), dbSNP rs199866228, ClinGen allele CA7082202.